The following is an entry in ClinVar:

NM_002474.3(MYH11):c.1414G>C (p.Glu472Gln)

Gene: MYH11 (myosin heavy chain 11; minus strand). Cytogenetic location: 16p13.11.
Variant type: single nucleotide variant.
Coding change: c.1414G>C on transcript NM_002474.3 (MANE Select); coding-DNA position 1414, G replaced by C.
Protein change: p.Glu472Gln; replaces glutamic acid 472 with glutamine.
Molecular consequence: missense variant.
Genome position (GRCh38, 1-based): chr16:15,757,988, C>G on the plus strand (G>C on the coding strand, the complement: MYH11 is on the minus strand). VCF-style: chr16-15757988-C-G. GRCh37 (hg19) VCF-style: chr16-15851845-C-G.
Other names: c.1435G>C, p.Glu479Gln (NM_001040113.2, NM_001040114.2); c.1414G>C, p.Glu472Gln (NM_022844.3); short protein forms E479Q, E472Q.
Identifiers: ClinVar variation 1772106 (VCV001772106.7), dbSNP rs750935497, ClinGen allele CA394871681.

ClinVar aggregate classification (germline): Uncertain significance. Review status: criteria provided, multiple submitters, no conflicts (2 of 4 stars). 2 submissions from 2 submitters: Uncertain significance (2). Last evaluated 2022-07-20.

Conditions:
Familial thoracic aortic aneurysm and aortic dissection (TAAD). Also called: Thoracic aortic aneurysms and dissections. Identifiers: Orphanet 91387, MedGen C4707243, MONDO:0019625.
Aortic aneurysm, familial thoracic 4 (AAT4). Also called: AORTIC ANEURYSM/AORTIC DISSECTION AND PATENT DUCTUS ARTERIOSUS. Identifiers: MedGen C1851504, MONDO:0007568, OMIM 132900.

Submissions (2):

Labcorp Genetics (formerly Invitae), Labcorp
Classification: Uncertain significance for Aortic aneurysm, familial thoracic 4. Last evaluated: 2022-07-20. Review status: criteria provided, single submitter. Criteria: Invitae Variant Classification Sherloc (09022015). Collection method: clinical testing. Allele origin: germline.
Comment: This sequence change replaces glutamic acid, which is acidic and polar, with glutamine, which is neutral and polar, at codon 479 of the MYH11 protein (p.Glu479Gln). This variant is not present in population databases (gnomAD no frequency). This variant has not been reported in the literature in individuals affected with MYH11-related conditions. Algorithms developed to predict the effect of missense changes on protein structure and function are either unavailable or do not agree on the potential impact of this missense change (SIFT: "Deleterious"; PolyPhen-2: "Benign"; Align-GVGD: "Class C0"). Algorithms developed to predict the effect of sequence changes on RNA splicing suggest that this variant may create or strengthen a splice site. In summary, the available evidence is currently insufficient to determine the role of this variant in disease. Therefore, it has been classified as a Variant of Uncertain Significance.

Ambry Genetics
Classification: Uncertain significance for Familial thoracic aortic aneurysm and aortic dissection. Last evaluated: 2021-01-20. Review status: criteria provided, single submitter. Criteria: Ambry Variant Classification Scheme 2023. Collection method: clinical testing. Allele origin: germline.
Comment: The p.E472Q variant (also known as c.1414G>C), located in coding exon 12 of the MYH11 gene, results from a G to C substitution at nucleotide position 1414. The glutamic acid at codon 472 is replaced by glutamine, an amino acid with highly similar properties. This amino acid position is highly conserved in available vertebrate species. In addition, this alteration is predicted to be deleterious by in silico analysis. Since supporting evidence is limited at this time, the clinical significance of this alteration remains unclear.